The following is an entry in ClinVar:

NM_001349798.2(FBXW7):c.1659T>C (p.His553=)

Gene: FBXW7 (F-box and WD repeat domain containing 7; minus strand). Cytogenetic location: 4q31.3.
Variant type: single nucleotide variant.
Coding change: c.1659T>C on transcript NM_001349798.2 (MANE Select); coding-DNA position 1659, T replaced by C.
Protein change: p.His553=; no amino-acid change (histidine 553 retained).
Molecular consequence: synonymous variant.
Genome position (GRCh38, 1-based): chr4:152,324,380, A>G on the plus strand (T>C on the coding strand, the complement: FBXW7 is on the minus strand). VCF-style: chr4-152324380-A-G. GRCh37 (hg19) VCF-style: chr4-153245532-A-G.
Other names: c.1305T>C, p.His435= (NM_001013415.2); c.1419T>C, p.His473= (NM_018315.5); c.1659T>C, p.His553= (NM_033632.3).
Identifiers: ClinVar variation 1777425 (VCV001777425.6), dbSNP rs142961063, ClinGen allele CA3106136.
Genomic context (GRCh38, chr4:152,324,380, plus strand): 5'-GCAATTCCCTGTCTCCACATCCCAAACACGGATTGATGTATCAAGAGATCCACTCACCAC[A>G]TGGATACCATCAAACTACAAAAGACACAGTTTATTAGAATAGAAGTATGGATACTCTTCC-3'
Protein context (NP_001336727.1, residues 543-563): RVYSLQFDGI[His553=]VVSGSLDTSI

ClinVar aggregate classification (germline): Likely benign. Review status: criteria provided, multiple submitters, no conflicts (2 of 4 stars). 3 submissions from 3 submitters: Likely benign (2). 1 of the submissions does not count toward it. Last evaluated 2024-08-29.

Conditions:
FBXW7-related disorder. Also called: FBXW7-related condition; FBXW7-related disorders.
Inborn genetic diseases. Identifiers: MedGen C0950123, MeSH D030342.

Allele frequency attached by ClinVar (database versions not stated): gnomAD exomes below 0.00001; ExAC 0.00002; gnomAD 0.00005; ESP Exome Variant Server 0.00008; TOPMed 0.00008.
gnomAD v4.1: 10 of 1,596,102 alleles (0.00063%); highest among the groups gnomAD compares: African/African-American, 0.012%; no homozygotes.

Submissions (3):

Labcorp Genetics (formerly Invitae), Labcorp
Classification: Likely benign. Last evaluated: 2024-08-29. Review status: criteria provided, single submitter. Criteria: Invitae Variant Classification Sherloc (09022015). Collection method: clinical testing. Allele origin: germline.

Ambry Genetics
Classification: Likely benign for Inborn genetic diseases. Last evaluated: 2020-03-13. Review status: criteria provided, single submitter. Criteria: Ambry Variant Classification Scheme 2023. Collection method: clinical testing. Allele origin: germline.

PreventionGenetics, part of Exact Sciences
Classification: Likely benign for FBXW7-related condition. Last evaluated: 2019-08-16. Review status: no assertion criteria provided. Collection method: clinical testing. Allele origin: germline. Not counted in ClinVar's aggregate classification.
Comment: This variant is classified as likely benign based on ACMG/AMP sequence variant interpretation guidelines (Richards et al. 2015 PMID: 25741868, with internal and published modifications).